The following is an entry in ClinVar:

ClinVar aggregate classification (germline): Uncertain significance (1 of 4 stars; one submission).

Conditions:
RPH3A-related condition.

gnomAD v4.1: 128 of 1,613,976 alleles (0.0079%); highest among the groups gnomAD compares: African/African-American, 0.037%; 1 homozygote.

Submission:

PreventionGenetics, part of Exact Sciences
Classification: Uncertain significance for RPH3A-related condition. Last evaluated: 2025-02-11. Review status: criteria provided, single submitter. Criteria: ACMG Guidelines, 2015. Collection method: clinical testing. Allele origin: germline.
Comment: The RPH3A c.289C>T variant is predicted to result in the amino acid substitution p.Arg97Cys. This variant has been reported to have arisen de novo in a single individual with autism spectrum disorder (Table S2, Iossifov et al. 2014. PubMed ID: 25363768). However, this variant is reported in 0.036% of alleles in individuals of African descent in gnomAD, including 17 heterozygotes. At this time, the clinical significance of this variant is uncertain due to the absence of conclusive functional and genetic evidence.

NM_001143854.2(RPH3A):c.289C>T (p.Arg97Cys)

Gene: RPH3A (rabphilin 3A; plus strand). Cytogenetic location: 12q24.13.
Variant type: single nucleotide variant.
Coding change: c.289C>T on transcript NM_001143854.2 (MANE Select); coding-DNA position 289, C replaced by T.
Protein change: p.Arg97Cys; replaces arginine 97 with cysteine.
Molecular consequence: missense variant. On other transcripts: non-coding transcript variant (2).
Genome position (GRCh38, 1-based): chr12:112,865,472, C>T. VCF-style: chr12-112865472-C-T. GRCh37 (hg19) VCF-style: chr12-113303277-C-T.
Other names: c.289C>T, p.Arg97Cys (NM_001347952.2, NM_001347953.1, NM_001347954.2); c.88C>T, p.Arg30Cys (NM_001347955.2); c.277C>T, p.Arg93Cys (NM_014954.4); short protein forms R30C, R93C, R97C.
Identifiers: ClinVar variation 4980727 (VCV004980727.1).
Genomic context (GRCh38, chr12:112,865,472, plus strand): 5'-AGACGCCTGGTGGACCGCCTAGAAAACATGAGGAAGAACGTGGCTGGAGATGGGGTGAAC[C>T]GCTGCATACTGTGTGGAGAACAGCTGGGGATGCTGGGCTCTGCCTGTGTAGTATGTGAGG-3'
Protein context (NP_001137326.1, residues 87-107): RKNVAGDGVN[Arg97Cys]CILCGEQLGM